The following is an entry in ClinVar:

ClinVar aggregate classification (germline): Uncertain significance (1 of 4 stars; one submission).

Submission:

GeneDx
Classification: Uncertain significance. Last evaluated: 2019-09-12. Review status: criteria provided, single submitter. Criteria: GeneDx Variant Classification Process June 2021. Collection method: clinical testing. Allele origin: germline. Affected: yes.
Comment: Not observed in large population cohorts (Lek et al., 2016); In silico analysis, which includes protein predictors and evolutionary conservation, supports a deleterious effect; Has not been previously published as pathogenic or benign to our knowledge

NM_000352.6(ABCC8):c.4555C>T (p.Leu1519Phe)

Gene: ABCC8 (ATP binding cassette subfamily C member 8; minus strand). Cytogenetic location: 11p15.1.
Variant type: single nucleotide variant.
Coding change: c.4555C>T on transcript NM_000352.6 (MANE Select); coding-DNA position 4555, C replaced by T.
Protein change: p.Leu1519Phe; replaces leucine 1519 with phenylalanine.
Molecular consequence: missense variant. On other transcripts: non-coding transcript variant (1).
Genome position (GRCh38, 1-based): chr11:17,393,750, G>A on the plus strand (C>T on the coding strand, the complement: ABCC8 is on the minus strand). VCF-style: chr11-17393750-G-A. GRCh37 (hg19) VCF-style: chr11-17415297-G-A.
Other names: c.4558C>T, p.Leu1520Phe (NM_001287174.3); c.4621C>T, p.Leu1541Phe (NM_001351295.2); c.4555C>T, p.Leu1519Phe (NM_001351296.2); c.4552C>T, p.Leu1518Phe (NM_001351297.2); short protein forms L1518F, L1519F, L1520F, L1541F.
Identifiers: ClinVar variation 1312141 (VCV001312141.2), dbSNP rs2133393193, ClinGen allele CA379782201.